The following is an entry in ClinVar:

NM_001079668.3(NKX2-1):c.1045dup (p.His349fs)

Genes: NKX2-1 (NK2 homeobox 1; minus strand), SFTA3 (surfactant associated 3; minus strand). Cytogenetic location: 14q13.3.
Variant type: Duplication.
Coding change: c.1045dup on transcript NM_001079668.3 (MANE Select); coding-DNA position 1045, one base duplicated (C; older notation c.1045dupC).
Protein change: p.His349fs; shifts the reading frame from histidine 349.
Molecular consequence: frameshift variant.
Genome position (GRCh38, 1-based): chr14:36,517,439, G duplicated on the plus strand (C on the coding strand, the reverse complement: NKX2-1 is on the minus strand); the first of 2 consecutive G bases (chr14:36,517,439-36,517,440); duplicating either gives the same sequence. VCF-style (leftmost placement, unchanged base first): chr14-36517438-T-TG. GRCh37 (hg19) VCF-style: chr14-36986643-T-TG.
Other names: c.955dup, p.His319fs (NM_003317.4); short protein forms H319fs, H349fs.
Identifiers: ClinVar variation 2506918 (VCV002506918.3), dbSNP rs2502626171, ClinGen allele CA2580616582.

ClinVar aggregate classification (germline): Pathogenic/Likely pathogenic. Review status: criteria provided, multiple submitters, no conflicts (2 of 4 stars). 2 submissions from 2 submitters: Pathogenic (1); Likely pathogenic (1). Last evaluated 2025-09-03.

Conditions:
Brain-lung-thyroid syndrome. Also called: Choreoathetosis, congenital hypothyroidism, and neonatal respiratory distress; Choreoathetosis, Congenital Hypothyroidism, and Neonatal Respiratory Distress Syndrome (Brain-Lung-Thyroid Syndrome); CHOREOATHETOSIS AND CONGENITAL HYPOTHYROIDISM WITH PULMONARY DYSFUNCTION. Identifiers: Orphanet 209905, MedGen C1970269, MONDO:0012593, OMIM 610978.

Submissions (2):

Clinical Genomics Laboratory, Washington University in St. Louis
Classification: Pathogenic for Brain-lung-thyroid syndrome. Last evaluated: 2025-09-03. Review status: criteria provided, single submitter. Criteria: ACMG Guidelines, 2015. Collection method: clinical testing. Allele origin: germline. Affected: yes.
Comment: The NKX2-1 c.1045dup (p.His349Profs*90) variant, to our knowledge, has not been reported in the medical literature but has been reported in the ClinVar database as a likely pathogenic variant by one submitter. This variant is absent from the general population (gnomAD v.2.1.1), indicating it is not a common variant. This variant causes a frameshift by duplicating a single nucleotide, leading to a premature termination codon; however, because this occurs in the last exon, this is not predicted to lead to nonsense-mediated decay. Based on available information and the ACMG/AMP guidelines for variant interpretation (Richards S et al., PMID: 25741868), this variant is classified as pathogenic.

Molecular Diagnostics Lab, Nemours Children's Health, Delaware
Classification: Likely pathogenic for Brain-lung-thyroid syndrome. Last evaluated: 2020-03-11. Review status: criteria provided, single submitter. Criteria: ACMG Guidelines, 2015. Collection method: clinical testing. Allele origin: unknown. Inheritance: Autosomal dominant inheritance. Affected: yes. Observed: 1 heterozygote.